The following is an entry in ClinVar:

NM_174936.4(PCSK9):c.1431C>T (p.Cys477=)

Gene: PCSK9 (proprotein convertase subtilisin/kexin type 9; plus strand). Cytogenetic location: 1p32.3.
Variant type: single nucleotide variant.
Coding change: c.1431C>T on transcript NM_174936.4 (MANE Select); coding-DNA position 1431, C replaced by T.
Protein change: p.Cys477=; no amino-acid change (cysteine 477 retained).
Molecular consequence: synonymous variant. On other transcripts: non-coding transcript variant (8), intron variant (1).
Genome position (GRCh38, 1-based): chr1:55,058,575, C>T. VCF-style: chr1-55058575-C-T. GRCh37 (hg19) VCF-style: chr1-55524248-C-T.
Other names: p.Cys477=; c.1554C>T, p.Cys518= (NM_001407240.1); c.1431C>T, p.Cys477= (NM_001407241.1); c.1434C>T, p.Cys478= (NM_001407242.1); c.1374C>T, p.Cys458= (NM_001407243.1); c.1257C>T, p.Cys419= (NM_001407244.1); c.1239C>T, p.Cys413= (NM_001407245.1); c.1056C>T, p.Cys352= (NM_001407246.1); and 1 more.
Identifiers: ClinVar variation 413318 (VCV000413318.32), dbSNP rs28362268, ClinGen allele CA036986.

ClinVar aggregate classification (germline): Benign/Likely benign. Review status: criteria provided, multiple submitters, no conflicts (2 of 4 stars). 14 submissions from 13 submitters: Benign (10); Likely benign (4). Last evaluated 2026-01-12.

Conditions:
Cardiovascular phenotype. Identifiers: MedGen CN230736.
Hypobetalipoproteinemia. Identifiers: Orphanet 31154, MedGen C0020597, MONDO:0017774.
Familial hypercholesterolemia. Also called: Familial hypercholesterolemias; Familial hypercholesterolaemia. Identifiers: MedGen C0020445, MONDO:0005439.
Hypercholesterolemia, autosomal dominant, 3 (FHCL3). Also called: Familial Hypercholesterolemia, Autosomal Dominant, 3; PCSK9-Related Familial Hypercholesterolemia, Autosomal Dominant; Familial hypercholesterolemia 3. Identifiers: MedGen C1863551, MONDO:0011369, OMIM 603776.

Allele frequency attached by ClinVar (database versions not stated): gnomAD exomes 0.00124; ExAC 0.00159; gnomAD 0.00454 and 0.00488; ESP Exome Variant Server 0.00507; 1000 Genomes Project 30x 0.00515; 1000 Genomes Project 0.00539; TOPMed 0.00571.
gnomAD v4.1: 1,460 of 1,612,056 alleles (0.091%); highest among the groups gnomAD compares: African/African-American, 1.6%; 7 homozygotes.

Submissions (14):

Labcorp Genetics (formerly Invitae), Labcorp
Classification: Benign for Hypercholesterolemia, autosomal dominant, 3. Last evaluated: 2026-01-12. Review status: criteria provided, single submitter. Criteria: Invitae Variant Classification Sherloc (09022015). Collection method: clinical testing. Allele origin: germline.

ARUP Laboratories, Molecular Genetics and Genomics, ARUP Laboratories
Classification: Benign. Last evaluated: 2025-07-25. Review status: criteria provided, single submitter. Criteria: ARUP Molecular Germline Variant Investigation Process 2024. Collection method: clinical testing. Allele origin: germline.

Molecular Diagnostic Laboratory for Inherited Cardiovascular Disease, Montreal Heart Institute
Classification: Benign. Last evaluated: 2025-04-09. Review status: criteria provided, single submitter. Criteria: ACMG Guidelines, 2015. Collection method: clinical testing. Allele origin: germline. Affected: no.

Blueprint Genetics
Classification: Likely benign. Last evaluated: 2024-11-26. Review status: criteria provided, single submitter. Criteria: ACMG Guidelines, 2015. Collection method: clinical testing. Allele origin: germline.

GENinCode PLC
Classification: Benign for Familial hypercholesterolemia. Last evaluated: 2024-01-12. Review status: criteria provided, single submitter. Criteria: ACMG Guidelines, 2015. Collection method: clinical testing. Allele origin: germline.

Quest Diagnostics Nichols Institute San Juan Capistrano
Classification: Benign. Last evaluated: 2023-04-19. Review status: criteria provided, single submitter. Criteria: Quest Diagnostics criteria. Collection method: clinical testing. Allele origin: unknown.

Mayo Clinic Laboratories, Mayo Clinic
Classification: Benign. Last evaluated: 2021-06-16. Review status: criteria provided, single submitter. Criteria: ACMG Guidelines, 2015. Collection method: clinical testing. Allele origin: germline. Observed: 4 variant alleles.

GeneDx
Classification: Benign. Last evaluated: 2019-01-08. Review status: criteria provided, single submitter. Criteria: GeneDx Variant Classification Process June 2021. Collection method: clinical testing. Allele origin: germline. Affected: yes.

Genetic Services Laboratory, University of Chicago
Classification: Likely benign. Last evaluated: 2018-10-18. Review status: criteria provided, single submitter. Criteria: ACMG Guidelines, 2015. Collection method: clinical testing. Allele origin: germline. Affected: no.

Illumina Laboratory Services, Illumina
Classification: Likely benign for Hypercholesterolemia, autosomal dominant, 3. Last evaluated: 2018-01-13. Review status: criteria provided, single submitter. Criteria: ICSL Variant Classification Criteria 13 December 2019. Collection method: clinical testing. Allele origin: germline.
Comment: This variant was observed in the ICSL laboratory as part of a predisposition screen in an ostensibly healthy population. It had not been previously curated by ICSL or reported in the Human Gene Mutation Database (HGMD: prior to June 1st, 2018), and was therefore a candidate for classification through an automated scoring system. Utilizing variant allele frequency, disease prevalence and penetrance estimates, and inheritance mode, an automated score was calculated to assess if this variant is too frequent to cause the disease. Based on the score and internal cut-off values, a variant classified as likely benign is not then subjected to further curation. The score for this variant resulted in a classification of likely benign for this disease.

Illumina Laboratory Services, Illumina
Classification: Likely benign for Hypobetalipoproteinemia. Last evaluated: 2018-01-13. Review status: criteria provided, single submitter. Criteria: ICSL Variant Classification Criteria 13 December 2019. Collection method: clinical testing. Allele origin: germline.
Comment: the same text as in the submission from Illumina Laboratory Services, Illumina above.

Color Diagnostics, LLC DBA Color Health
Classification: Benign for Familial hypercholesterolemias. Last evaluated: 2017-10-24. Review status: criteria provided, single submitter. Criteria: ACMG Guidelines, 2015. Collection method: clinical testing. Allele origin: germline.

Ambry Genetics
Classification: Benign for Cardiovascular phenotype. Last evaluated: 2017-06-29. Review status: criteria provided, single submitter. Criteria: Ambry Variant Classification Scheme 2023. Collection method: clinical testing. Allele origin: germline.

Women's Health and Genetics/Laboratory Corporation of America, LabCorp
Classification: Benign. Last evaluated: 2016-08-12. Review status: criteria provided, single submitter. Criteria: LabCorp Variant Classification Summary - May 2015. Collection method: clinical testing. Allele origin: germline.
Comment: Variant summary: The PCSK9 c.1431C>T (p.Cys477Cys) variant involves the alteration of a non-conserved nucleotide, resulting in a synonymous change. One in silico tool predicts a damaging outcome for this variant. 5/5 splice prediction tools predict no significant impact on normal splicing. ESE finder predicts that this variant may affect multiple ESE sites. However, these predictions have yet to be confirmed by functional studies. This variant was found in 192/120408 control chromosomes (3 homozygotes), predominantly observed in the African subpopulation at a frequency of 0.017144 (176/10266). This frequency is about 183 times the estimated maximal expected allele frequency of a pathogenic PCSK9 variant (0.0000938), suggesting this is likely a benign polymorphism found primarily in the populations of African origin. Taken together, this variant is classified as benign.

Literature cited by the submitters: PubMed 19191301 (cited by Quest Diagnostics Nichols Institute San Juan Capistrano and Women's Health and Genetics/Laboratory Corporation of America, LabCorp).